The following is an entry in ClinVar:

NM_001130823.3(DNMT1):c.3835T>C (p.Phe1279Leu)

Gene: DNMT1 (DNA methyltransferase 1; minus strand). Cytogenetic location: 19p13.2.
Variant type: single nucleotide variant.
Coding change: c.3835T>C on transcript NM_001130823.3 (MANE Select); coding-DNA position 3835, T replaced by C.
Protein change: p.Phe1279Leu; replaces phenylalanine 1279 with leucine.
Molecular consequence: missense variant.
Genome position (GRCh38, 1-based): chr19:10,139,789, A>G on the plus strand (T>C on the coding strand, the complement: DNMT1 is on the minus strand). VCF-style: chr19-10139789-A-G. GRCh37 (hg19) VCF-style: chr19-10250465-A-G.
Other names: c.3787T>C, p.Phe1263Leu (NM_001318730.2, NM_001379.4); c.3472T>C, p.Phe1158Leu (NM_001318731.2); short protein forms F1158L, F1263L, F1279L.
Identifiers: ClinVar variation 1734896 (VCV001734896.2), dbSNP rs2513777778, ClinGen allele CA403972558.

ClinVar aggregate classification (germline): Uncertain significance (1 of 4 stars; one submission).

Conditions:
Inborn genetic diseases. Identifiers: MedGen C0950123, MeSH D030342.

Submission:

Ambry Genetics
Classification: Uncertain significance for Inborn genetic diseases. Last evaluated: 2021-07-21. Review status: criteria provided, single submitter. Criteria: Ambry Variant Classification Scheme 2023. Collection method: clinical testing. Allele origin: germline.
Comment: The p.F1263L variant (also known as c.3787T>C), located in coding exon 33 of the DNMT1 gene, results from a T to C substitution at nucleotide position 3787. The phenylalanine at codon 1263 is replaced by leucine, an amino acid with highly similar properties. This amino acid position is highly conserved in available vertebrate species. In addition, the in silico prediction for this alteration is inconclusive. Since supporting evidence is limited at this time, the clinical significance of this alteration remains unclear.